The following is an entry in ClinVar:

NM_182699.4(DDX53):c.1869A>C (p.Arg623Ser)

Genes: DDX53 (DEAD-box helicase 53; plus strand), PTCHD1-AS (PTCHD1 and PHEX antisense RNA; minus strand). Cytogenetic location: Xp22.11.
Variant type: single nucleotide variant.
Coding change: c.1869A>C on transcript NM_182699.4 (MANE Select); coding-DNA position 1869, A replaced by C.
Protein change: p.Arg623Ser; replaces arginine 623 with serine.
Molecular consequence: missense variant.
Genome position (GRCh38, 1-based): chrX:23,001,926, A>C. VCF-style: chrX-23001926-A-C. GRCh37 (hg19) VCF-style: chrX-23020043-A-C.
Other names: short protein forms R623S.
Identifiers: ClinVar variation 3250881 (VCV003250881.18), dbSNP rs779685021.

ClinVar aggregate classification (germline): Likely benign (1 of 4 stars; one submission).

Allele frequency attached by ClinVar (database versions not stated): TOPMed 0.00002; gnomAD 0.00004.
gnomAD v4.1: 68 of 1,191,052 alleles (0.0057%); highest among the groups gnomAD compares: Non-Finnish European, 0.0072%; no homozygotes.

Submission:

CeGaT Center for Human Genetics Tuebingen
Classification: Likely benign. Last evaluated: 2024-06-01. Review status: criteria provided, single submitter. Criteria: CeGaT Center For Human Genetics Tuebingen Variant Classification Criteria Version 2. Collection method: clinical testing. Allele origin: germline. Affected: yes. Observed: 1 variant allele.
Comment: DDX53: BP4